The following is an entry in ClinVar:

ClinVar aggregate classification (germline): Uncertain significance (1 of 4 stars; one submission).

Conditions:
Bethlem myopathy 1A. Also called: MYOPATHY, BENIGN CONGENITAL, WITH CONTRACTURES; Bethlem myopathy 1; Bethlem Muscular Dystrophy. Identifiers: Orphanet 610, MedGen CN029274, MONDO:0024530, OMIM 158810.

Submission:

Labcorp Genetics (formerly Invitae), Labcorp
Classification: Uncertain significance for Bethlem myopathy 1A. Last evaluated: 2023-10-15. Review status: criteria provided, single submitter. Criteria: Invitae Variant Classification Sherloc (09022015). Collection method: clinical testing. Allele origin: germline.
Comment: This sequence change replaces valine, which is neutral and non-polar, with methionine, which is neutral and non-polar, at codon 1299 of the COL6A3 protein (p.Val1299Met). This variant is not present in population databases (gnomAD no frequency). This variant has not been reported in the literature in individuals affected with COL6A3-related conditions. ClinVar contains an entry for this variant (Variation ID: 851927). Advanced modeling of protein sequence and biophysical properties (such as structural, functional, and spatial information, amino acid conservation, physicochemical variation, residue mobility, and thermodynamic stability) performed at Invitae indicates that this missense variant is expected to disrupt COL6A3 protein function. In summary, the available evidence is currently insufficient to determine the role of this variant in disease. Therefore, it has been classified as a Variant of Uncertain Significance.

NM_004369.4(COL6A3):c.3895G>A (p.Val1299Met)

Gene: COL6A3 (collagen type VI alpha 3 chain; minus strand). Cytogenetic location: 2q37.3.
Variant type: single nucleotide variant.
Coding change: c.3895G>A on transcript NM_004369.4 (MANE Select); coding-DNA position 3895, G replaced by A.
Protein change: p.Val1299Met; replaces valine 1299 with methionine.
Molecular consequence: missense variant.
Genome position (GRCh38, 1-based): chr2:237,372,122, C>T on the plus strand (G>A on the coding strand, the complement: COL6A3 is on the minus strand). VCF-style: chr2-237372122-C-T. GRCh37 (hg19) VCF-style: chr2-238280765-C-T.
Other names: c.2674G>A, p.Val892Met (NM_057164.5); c.3277G>A, p.Val1093Met (NM_057165.5, NM_057167.4); c.2074G>A, p.Val692Met (NM_057166.5); short protein forms V1093M, V1299M, V692M, V892M.
Identifiers: ClinVar variation 851927 (VCV000851927.10), dbSNP rs899539198, ClinGen allele CA351198462.